The following is an entry in ClinVar:

ClinVar aggregate classification (germline): Uncertain significance (1 of 4 stars; one submission).

Conditions:
Mowat-Wilson syndrome (MOWS). Also called: Classic Mowat-Wilson Syndrome. Identifiers: Orphanet 2152, MedGen C1856113, MONDO:0009341, OMIM 235730.

Allele frequency attached by ClinVar (database versions not stated): gnomAD exomes below 0.00001.

Submission:

Labcorp Genetics (formerly Invitae), Labcorp
Classification: Uncertain significance for Mowat-Wilson syndrome. Last evaluated: 2021-12-17. Review status: criteria provided, single submitter. Criteria: Invitae Variant Classification Sherloc (09022015). Collection method: clinical testing. Allele origin: germline.
Comment: This variant has not been reported in the literature in individuals affected with ZEB2-related conditions. This variant is not present in population databases (gnomAD no frequency). This sequence change replaces valine, which is neutral and non-polar, with methionine, which is neutral and non-polar, at codon 32 of the ZEB2 protein (p.Val32Met). Algorithms developed to predict the effect of missense changes on protein structure and function are either unavailable or do not agree on the potential impact of this missense change (SIFT: "Deleterious"; PolyPhen-2: "Probably Damaging"; Align-GVGD: "Class C0"). In summary, the available evidence is currently insufficient to determine the role of this variant in disease. Therefore, it has been classified as a Variant of Uncertain Significance.

NM_014795.4(ZEB2):c.94G>A (p.Val32Met)

Gene: ZEB2 (zinc finger E-box binding homeobox 2; minus strand). Cytogenetic location: 2q22.3.
Variant type: single nucleotide variant.
Coding change: c.94G>A on transcript NM_014795.4 (MANE Select); coding-DNA position 94, G replaced by A.
Protein change: p.Val32Met; replaces valine 32 with methionine.
Molecular consequence: missense variant.
Genome position (GRCh38, 1-based): chr2:144,430,006, C>T on the plus strand (G>A on the coding strand, the complement: ZEB2 is on the minus strand). VCF-style: chr2-144430006-C-T. GRCh37 (hg19) VCF-style: chr2-145187573-C-T.
Other names: c.94G>A, p.Val32Met (NM_001171653.2); short protein forms V32M.
Identifiers: ClinVar variation 2045496 (VCV002045496.4), dbSNP rs2149891292, ClinGen allele CA348719086.